The following is an entry in ClinVar:

NM_006445.4(PRPF8):c.6377G>A (p.Gly2126Glu)

Gene: PRPF8 (pre-mRNA processing factor 8; minus strand). Cytogenetic location: 17p13.3.
Variant type: single nucleotide variant.
Coding change: c.6377G>A on transcript NM_006445.4 (MANE Select); coding-DNA position 6377, G replaced by A.
Protein change: p.Gly2126Glu; replaces glycine 2126 with glutamic acid.
Molecular consequence: missense variant.
Genome position (GRCh38, 1-based): chr17:1,651,781, C>T on the plus strand (G>A on the coding strand, the complement: PRPF8 is on the minus strand). VCF-style: chr17-1651781-C-T. GRCh37 (hg19) VCF-style: chr17-1555075-C-T.
Other names: short protein forms G2126E.
Identifiers: ClinVar variation 813076 (VCV000813076.11), dbSNP rs1360391558, ClinGen allele CA397565622.
Genomic context (GRCh38, chr17:1,651,781, plus strand): 5'-ACAATGCAGCGGATCTCCTTCACCTGGGGGTTATCTGGTGGGCTCACCCCATATAGGTAT[C>T]CTGCAATCTGGAGACAAAGGGGTCAGGAACCAAAACTCTTCTTAGTACCAGGTCAGAGTT-3'
Protein context (NP_006436.3, residues 2116-2136): CISDLRAQIA[Gly2126Glu]YLYGVSPPDN

ClinVar aggregate classification (germline): Conflicting classifications of pathogenicity. Review status: criteria provided, conflicting classifications (1 of 4 stars). 3 submissions from 3 submitters: Pathogenic (1); Uncertain significance (2). Last evaluated 2023-11-13.

Conditions:
Retinitis pigmentosa (RP). Identifiers: Orphanet 791, MedGen C0035334, MeSH D012174, MONDO:0019200, OMIM 268000. Inheritance: Autosomal dominant, autosomal recessive and X linked inheritance.

Allele frequency attached by ClinVar (database versions not stated): TOPMed below 0.00001.

Submissions (3):

Labcorp Genetics (formerly Invitae), Labcorp
Classification: Uncertain significance. Last evaluated: 2023-11-13. Review status: criteria provided, single submitter. Criteria: Invitae Variant Classification Sherloc (09022015). Collection method: clinical testing. Allele origin: germline.
Comment: This sequence change replaces glycine, which is neutral and non-polar, with glutamic acid, which is acidic and polar, at codon 2126 of the PRPF8 protein (p.Gly2126Glu). This variant is not present in population databases (gnomAD no frequency). This missense change has been observed in individuals with autosomal dominant retinitis pigmentosa (PMID: 32531858; Invitae). ClinVar contains an entry for this variant (Variation ID: 813076). Advanced modeling of protein sequence and biophysical properties (such as structural, functional, and spatial information, amino acid conservation, physicochemical variation, residue mobility, and thermodynamic stability) has been performed at Invitae for this missense variant, however the output from this modeling did not meet the statistical confidence thresholds required to predict the impact of this variant on PRPF8 protein function. In summary, the available evidence is currently insufficient to determine the role of this variant in disease. Therefore, it has been classified as a Variant of Uncertain Significance.

Molecular Genetics Laboratory, Institute for Ophthalmic Research
Classification: Pathogenic for Retinitis pigmentosa. Last evaluated: 2020-01-09. Review status: criteria provided, single submitter. Criteria: ACMG Guidelines, 2015. Collection method: research. Allele origin: germline. Affected: yes.

Blueprint Genetics
Classification: Uncertain significance. Last evaluated: 2019-05-07. Review status: criteria provided, single submitter. Criteria: ACMG Guidelines, 2015. Collection method: clinical testing. Allele origin: germline.

Literature cited by the submitters: PubMed 32531858 (cited by Labcorp Genetics (formerly Invitae), Labcorp).